The following is an entry in ClinVar:

NM_001374353.1(GLI2):c.2714C>T (p.Ala905Val)

Gene: GLI2 (GLI family zinc finger 2; plus strand). Cytogenetic location: 2q14.2.
Variant type: single nucleotide variant.
Coding change: c.2714C>T on transcript NM_001374353.1 (MANE Select); coding-DNA position 2714, C replaced by T.
Protein change: p.Ala905Val; replaces alanine 905 with valine.
Molecular consequence: missense variant.
Genome position (GRCh38, 1-based): chr2:120,988,679, C>T. VCF-style: chr2-120988679-C-T. GRCh37 (hg19) VCF-style: chr2-121746255-C-T.
Other names: c.2765C>T, p.Ala922Val (NM_001371271.1, NM_005270.5); c.2339C>T, p.Ala780Val (NM_001374354.1); short protein forms A905V, A922V, A780V.
Identifiers: ClinVar variation 2925208 (VCV002925208.3), dbSNP rs890177001, ClinGen allele CA54381767.
Genomic context (GRCh38, chr2:120,988,679, plus strand): 5'-CCACTCCGCTGCCGGGCCTGGAGCGCATGAGCCTGCGGACCAGGCTGGCGCTGCTGGACG[C>T]GCCCGAGCGCACGCTGCCCGCCGGCTGCCCACGCCCACTGGGGCCGCGGCGTGGCAGCGA-3'
Protein context (NP_001361282.1, residues 895-915): SLRTRLALLD[Ala905Val]PERTLPAGCP

ClinVar aggregate classification (germline): Uncertain significance (1 of 4 stars; one submission).

Conditions:
Postaxial polydactyly-anterior pituitary anomalies-facial dysmorphism syndrome. Also called: Culler-Jones syndrome. Identifiers: Orphanet 420584, MedGen C4014479, MONDO:0014369, OMIM 615849.
Holoprosencephaly 9 (HPE9). Also called: PITUITARY ANOMALIES WITH HOLOPROSENCEPHALY-LIKE FEATURES; HOLOPROSENCEPHALY WITH MICROPHTHALMIA AND FIRST BRANCHIAL ARCH ANOMALIES. Identifiers: Orphanet 2162, MedGen C1835819, MONDO:0012563, OMIM 610829.

Allele frequency attached by ClinVar (database versions not stated): gnomAD 0.00001.
gnomAD v4.1: 4 of 1,323,466 alleles (0.0003%); highest among the groups gnomAD compares: African/African-American, 0.0032%; no homozygotes.

Submission:

Labcorp Genetics (formerly Invitae), Labcorp
Classification: Uncertain significance for Postaxial polydactyly-anterior pituitary anomalies-facial dysmorphism syndrome; Holoprosencephaly 9. Last evaluated: 2023-03-02. Review status: criteria provided, single submitter. Criteria: Invitae Variant Classification Sherloc (09022015). Collection method: clinical testing. Allele origin: germline.
Comment: This variant is not present in population databases (gnomAD no frequency). This variant has not been reported in the literature in individuals affected with GLI2-related conditions. Advanced modeling of protein sequence and biophysical properties (such as structural, functional, and spatial information, amino acid conservation, physicochemical variation, residue mobility, and thermodynamic stability) performed at Invitae indicates that this missense variant is not expected to disrupt GLI2 protein function. In summary, the available evidence is currently insufficient to determine the role of this variant in disease. Therefore, it has been classified as a Variant of Uncertain Significance. This sequence change replaces alanine, which is neutral and non-polar, with valine, which is neutral and non-polar, at codon 922 of the GLI2 protein (p.Ala922Val).